The following is an entry in ClinVar:

NM_017636.4(TRPM4):c.30G>A (p.Trp10Ter)

Gene: TRPM4 (transient receptor potential cation channel subfamily M member 4; plus strand). Cytogenetic location: 19q13.33.
Variant type: single nucleotide variant.
Coding change: c.30G>A on transcript NM_017636.4 (MANE Select); coding-DNA position 30, G replaced by A.
Protein change: p.Trp10Ter; replaces tryptophan 10 with a stop codon.
Molecular consequence: nonsense. On other transcripts: 5 prime UTR variant (3).
Genome position (GRCh38, 1-based): chr19:49,158,197, G>A. VCF-style: chr19-49158197-G-A. GRCh37 (hg19) VCF-style: chr19-49661454-G-A.
Other names: c.30G>A, p.Trp10Ter (NM_001195227.2, NM_001321281.2); c.-1343G>A (NM_001321282.2); c.-137G>A (NM_001321283.2); c.-300G>A (NM_001321285.2); short protein forms W10*.
Identifiers: ClinVar variation 837354 (VCV000837354.7), dbSNP rs893456469, ClinGen allele CA309425005.
Genomic context (GRCh38, chr19:49,158,197, plus strand): 5'-AGAACTGGGTGCCCTCTCACCCCACTTCCACCCCTACATTTGTTCCTGTCCCCAGAGCTG[G>A]ATCCCCAAGATCTTCAAGAAGAAGACCTGCACGACGTTCATAGTTGACTCCACAGATCCG-3'

ClinVar aggregate classification (germline): Uncertain significance (1 of 4 stars; one submission).

Conditions:
Progressive familial heart block type IB (PFHB1B). Identifiers: Orphanet 871, MedGen C1970298, MONDO:0011474, OMIM 604559.

Allele frequency attached by ClinVar (database versions not stated): TOPMed 0.00001.

Submission:

Labcorp Genetics (formerly Invitae), Labcorp
Classification: Uncertain significance for Progressive familial heart block type IB. Last evaluated: 2019-11-29. Review status: criteria provided, single submitter. Criteria: Invitae Variant Classification Sherloc (09022015). Collection method: clinical testing. Allele origin: germline.
Comment: In summary, the available evidence is currently insufficient to determine the role of this variant in disease. Therefore, it has been classified as a Variant of Uncertain Significance. The current clinical and genetic evidence is not sufficient to establish whether loss-of-function variants in TRPM4 cause disease. This variant has not been reported in the literature in individuals with TRPM4-related conditions. This variant is not present in population databases (ExAC no frequency). This sequence change creates a premature translational stop signal (p.Trp10*) in the TRPM4 gene. It is expected to result in an absent or disrupted protein product.